The following is an entry in ClinVar:

ClinVar aggregate classification (germline): Uncertain significance. Review status: criteria provided, multiple submitters, no conflicts (2 of 4 stars). 2 submissions from 2 submitters: Uncertain significance (2). Last evaluated 2025-01-06.

Allele frequency attached by ClinVar (database versions not stated): gnomAD 0.00001; TOPMed 0.00003; ExAC 0.00004; gnomAD exomes 0.00004; 1000 Genomes Project 0.00040; 1000 Genomes Project 30x 0.00047.
gnomAD v4.1: 29 of 1,614,170 alleles (0.0018%); highest among the groups gnomAD compares: South Asian, 0.015%; no homozygotes.

Submissions (2):

Labcorp Genetics (formerly Invitae), Labcorp
Classification: Uncertain significance. Last evaluated: 2025-01-06. Review status: criteria provided, single submitter. Criteria: Invitae Variant Classification Sherloc (09022015). Collection method: clinical testing. Allele origin: germline.
Comment: This sequence change replaces arginine, which is basic and polar, with histidine, which is basic and polar, at codon 1064 of the RUSC2 protein (p.Arg1064His). This variant is present in population databases (rs533755060, gnomAD 0.02%). This variant has not been reported in the literature in individuals affected with RUSC2-related conditions. ClinVar contains an entry for this variant (Variation ID: 1504151). An algorithm developed to predict the effect of missense changes on protein structure and function (PolyPhen-2) suggests that this variant is likely to be disruptive. In summary, the available evidence is currently insufficient to determine the role of this variant in disease. Therefore, it has been classified as a Variant of Uncertain Significance.

Ambry Genetics
Classification: Uncertain significance. Last evaluated: 2024-01-04. Review status: criteria provided, single submitter. Criteria: Ambry Variant Classification Scheme 2023. Collection method: clinical testing. Allele origin: germline.

NM_014806.5(RUSC2):c.3191G>A (p.Arg1064His)

Gene: RUSC2 (RUN and SH3 domain containing 2; plus strand). Cytogenetic location: 9p13.3.
Variant type: single nucleotide variant.
Coding change: c.3191G>A on transcript NM_014806.5 (MANE Select); coding-DNA position 3191, G replaced by A.
Protein change: p.Arg1064His; replaces arginine 1064 with histidine.
Molecular consequence: missense variant. On other transcripts: non-coding transcript variant (1).
Genome position (GRCh38, 1-based): chr9:35,558,327, G>A. VCF-style: chr9-35558327-G-A. GRCh37 (hg19) VCF-style: chr9-35558324-G-A.
Other names: c.3191G>A, p.Arg1064His (NM_001135999.2); c.557G>A, p.Arg186His (NM_001330740.2); c.3191G>A (NM_001135999.1); short protein forms R1064H, R186H.
Identifiers: ClinVar variation 1504151 (VCV001504151.7), dbSNP rs533755060, ClinGen allele CA5044077.